The following is an entry in ClinVar:

NM_000384.3(APOB):c.7726C>T (p.Arg2576Cys)

Gene: APOB (apolipoprotein B; minus strand). Cytogenetic location: 2p24.1.
Variant type: single nucleotide variant.
Coding change: c.7726C>T on transcript NM_000384.3 (MANE Select); coding-DNA position 7726, C replaced by T.
Protein change: p.Arg2576Cys; replaces arginine 2576 with cysteine.
Molecular consequence: missense variant.
Genome position (GRCh38, 1-based): chr2:21,009,142, G>A on the plus strand (C>T on the coding strand, the complement: APOB is on the minus strand). VCF-style: chr2-21009142-G-A. GRCh37 (hg19) VCF-style: chr2-21232014-G-A.
Other names: short protein forms R2576C.
Identifiers: ClinVar variation 925404 (VCV000925404.27), dbSNP rs767146440, ClinGen allele CA064734.
Genomic context (GRCh38, chr2:21,009,142, plus strand): 5'-TCCCAAGGATGGTCTTGATTTCAGGAACAGTGAACCCTTGCTCTACCAATGCTTTCATAC[G>A]TTTAGCCCAATCTTGGATAGAATATTGCTCTGCAAAGTCAGTAAGGTTCTTAGCAGCAAG-3'
Protein context (NP_000375.3, residues 2566-2586): EQYSIQDWAK[Arg2576Cys]MKALVEQGFT

ClinVar aggregate classification (germline): Conflicting classifications of pathogenicity. Review status: criteria provided, conflicting classifications (1 of 4 stars). 5 submissions from 5 submitters: Uncertain significance (3); Likely benign (2). Last evaluated 2025-08-01.

Conditions:
Hypercholesterolemia, autosomal dominant, type B (FHCL2). Also called: Familial Hypercholesterolemia Type B; Hyperlipoproteinemia Type IIb; APOB-Related Familial Hypercholesterolemia, Autosomal Dominant; Familial hypercholesterolemia 2; HYPERCHOLESTEROLEMIA, FAMILIAL, DUE TO LIGAND-DEFECTIVE APOLIPOPROTEIN B; APOLIPOPROTEIN B-100, FAMILIAL DEFECTIVE. Identifiers: MedGen C1704417, MONDO:0007751, OMIM 144010.
Familial hypobetalipoproteinemia 1. Also called: Hypobetalipoproteinemia, normotriglyceridemic; Acanthocytosis with hypobetalipoproteinemia; APOB-Related Familial Hypobetalipoproteinemia. Identifiers: MedGen C4551990, MONDO:0014252, OMIM 615558.
Cardiovascular phenotype. Identifiers: MedGen CN230736.

Allele frequency attached by ClinVar (database versions not stated): TOPMed 0.00001; ExAC 0.00006.
gnomAD v4.1: 55 of 1,613,996 alleles (0.0034%); highest among the groups gnomAD compares: South Asian, 0.025%; 2 homozygotes.

Submissions (5):

CeGaT Center for Human Genetics Tuebingen
Classification: Likely benign. Last evaluated: 2025-08-01. Review status: criteria provided, single submitter. Criteria: CeGaT Center For Human Genetics Tuebingen Variant Classification Criteria Version 2. Collection method: clinical testing. Allele origin: germline. Affected: yes. Observed: 1 variant allele.
Comment: APOB: BP4

Labcorp Genetics (formerly Invitae), Labcorp
Classification: Likely benign for Familial hypobetalipoproteinemia 1; Hypercholesterolemia, autosomal dominant, type B. Last evaluated: 2024-10-22. Review status: criteria provided, single submitter. Criteria: Invitae Variant Classification Sherloc (09022015). Collection method: clinical testing. Allele origin: germline.

Ambry Genetics
Classification: Uncertain significance for Cardiovascular phenotype. Last evaluated: 2024-01-11. Review status: criteria provided, single submitter. Criteria: Ambry Variant Classification Scheme 2023. Collection method: clinical testing. Allele origin: germline.
Comment: The p.R2576C variant (also known as c.7726C>T), located in coding exon 26 of the APOB gene, results from a C to T substitution at nucleotide position 7726. The arginine at codon 2576 is replaced by cysteine, an amino acid with highly dissimilar properties. This amino acid position is conserved. In addition, this alteration is predicted to be tolerated by in silico analysis. Since supporting evidence is limited at this time, the clinical significance of this alteration remains unclear.

GeneDx
Classification: Uncertain significance. Last evaluated: 2023-05-15. Review status: criteria provided, single submitter. Criteria: GeneDx Variant Classification Process June 2021. Collection method: clinical testing. Allele origin: germline. Affected: yes.
Comment: In silico analysis supports that this missense variant does not alter protein structure/function; Has not been previously published as pathogenic or benign to our knowledge

Fulgent Genetics
Classification: Uncertain significance for Hypercholesterolemia, autosomal dominant, type B; Familial hypobetalipoproteinemia 1. Last evaluated: 2021-11-15. Review status: criteria provided, single submitter. Criteria: ACMG Guidelines, 2015. Collection method: clinical testing. Allele origin: unknown.